The following is an entry in ClinVar:

ClinVar aggregate classification (germline): Uncertain significance (1 of 4 stars; one submission).

Conditions:
TP63-Related Spectrum Disorders.

Submission:

Labcorp Genetics (formerly Invitae), Labcorp
Classification: Uncertain significance. Last evaluated: 2017-07-06. Review status: criteria provided, single submitter. Criteria: Invitae Variant Classification Sherloc (09022015). Collection method: clinical testing. Allele origin: germline.
Comment: This sequence change results in a premature translational stop signal in the TP63 gene (p.Leu616Serfs*88). While this is not anticipated to result in nonsense mediated decay, it is expected to disrupt the last 65 amino acids of the TP63 protein. This variant is not present in population databases (ExAC no frequency). This variant has not been reported in the literature in individuals with TP63-related disease. ¬†ClinVar contains an entry for this variant (Variation ID: 38968). In summary, the available evidence is currently insufficient to determine the role of this variant in disease. Therefore, it has been classified as a Variant of Uncertain Significance. A number of truncations downstream of this variant have been reported in individuals affected with TP63-related disorders (PMID: 12037717,¬†11462173, 17609671, 19239083). Experimental studies have shown that there is an inhibitory domain at the end of the protein that represses TP63 transcriptional activity, and that deletion of this region results in aberrantly increased transcription (PMID: 12446779, 15539951, 21652629).

Literature cited by the submitters: PubMed 12037717; PubMed 12446779; PubMed 15539951; PubMed 21652629.

NM_003722.5(TP63):c.1846del (p.Leu616fs)

Gene: TP63 (tumor protein p63; plus strand). Cytogenetic location: 3q28.
Variant type: Deletion.
Coding change: c.1846del on transcript NM_003722.5 (MANE Select); coding-DNA position 1846, one base deleted (C; older notation c.1846delC).
Protein change: p.Leu616fs; shifts the reading frame from leucine 616.
Molecular consequence: frameshift variant. On other transcripts: 3 prime UTR variant (6).
Genome position (GRCh38, 1-based): chr3:189,894,305, C deleted. VCF-style (leftmost placement, unchanged base first): chr3-189894304-TC-T. GRCh37 (hg19) VCF-style: chr3-189612093-TC-T.
Other names: c.*84del (NM_001114978.2, NM_001114981.2); c.1564del, p.Leu522fs (NM_001114980.2); c.*74del (NM_001329144.2, NM_001329145.2, NM_001329149.2 and 1 more transcripts); c.1309del, p.Leu437fs (NM_001329146.2); c.1834del, p.Leu612fs (NM_001329148.2); c.1840del, p.Leu614fs (NM_001329964.2); short protein forms L612fs, L614fs, L522fs, L616fs, L437fs.
Identifiers: ClinVar variation 38968 (VCV000038968.5), dbSNP rs113993964, ClinGen allele CA343282.